The following is an entry in ClinVar:

NM_001039213.4(CEACAM16):c.527G>A (p.Arg176His)

Genes: CEACAM16 (CEA cell adhesion molecule 16, tectorial membrane component; plus strand), CEACAM16-AS1 (CEACAM16, CEACAM19 and PVR antisense RNA 1; minus strand). Cytogenetic location: 19q13.32.
Variant type: single nucleotide variant.
Coding change: c.527G>A on transcript NM_001039213.4 (MANE Select); coding-DNA position 527, G replaced by A.
Protein change: p.Arg176His; replaces arginine 176 with histidine.
Molecular consequence: missense variant.
Genome position (GRCh38, 1-based): chr19:44,704,162, G>A. VCF-style: chr19-44704162-G-A. GRCh37 (hg19) VCF-style: chr19-45207432-G-A.
Other names: short protein forms R176H.
Identifiers: ClinVar variation 420499 (VCV000420499.15), dbSNP rs746541677, ClinGen allele CA9503087.

ClinVar aggregate classification (germline): Conflicting classifications of pathogenicity. Review status: criteria provided, conflicting classifications (1 of 4 stars). 4 submissions from 4 submitters: Uncertain significance (3); Likely benign (1). Last evaluated 2025-12-08.

Conditions:
Inborn genetic diseases. Identifiers: MedGen C0950123, MeSH D030342.

Allele frequency attached by ClinVar (database versions not stated): TOPMed 0.00009; gnomAD 0.00011 and 0.00012; ExAC 0.00015; 1000 Genomes Project 30x 0.00016.
gnomAD v4.1: 126 of 1,585,358 alleles (0.0079%); highest among the groups gnomAD compares: South Asian, 0.033%; 2 homozygotes.

Submissions (4):

Labcorp Genetics (formerly Invitae), Labcorp
Classification: Uncertain significance. Last evaluated: 2025-12-08. Review status: criteria provided, single submitter. Criteria: Invitae Variant Classification Sherloc (09022015). Collection method: clinical testing. Allele origin: germline.
Comment: This sequence change replaces arginine, which is basic and polar, with histidine, which is basic and polar, at codon 176 of the CEACAM16 protein (p.Arg176His). This variant is present in population databases (rs746541677, gnomAD 0.05%). This variant has not been reported in the literature in individuals affected with CEACAM16-related conditions. ClinVar contains an entry for this variant (Variation ID: 420499). Invitae Evidence Modeling of protein sequence and biophysical properties (such as structural, functional, and spatial information, amino acid conservation, physicochemical variation, residue mobility, and thermodynamic stability) indicates that this missense variant is not expected to disrupt CEACAM16 protein function with a negative predictive value of 80%. In summary, the available evidence is currently insufficient to determine the role of this variant in disease. Therefore, it has been classified as a Variant of Uncertain Significance.

Ambry Genetics
Classification: Uncertain significance for Inborn genetic diseases. Last evaluated: 2025-05-15. Review status: criteria provided, single submitter. Criteria: Ambry Variant Classification Scheme 2023. Collection method: clinical testing. Allele origin: germline.

Laboratory for Molecular Medicine, Mass General Brigham Personalized Medicine
Classification: Likely benign. Last evaluated: 2018-06-04. Review status: criteria provided, single submitter. Criteria: LMM Criteria. Collection method: clinical testing. Allele origin: germline. Observed: 1 variant allele.
Comment: p.Arg176His in exon 4 of CEACAM16: This variant is not expected to have clinical significance because it has been identified in 0.05% (13/25704) of South Asian chromosomes by the Genome Aggregation Database (gnomAD; dbSNP rs746541677). ACMG/AMP criteria applied: BS1.

GeneDx
Classification: Uncertain significance. Last evaluated: 2016-03-01. Review status: criteria provided, single submitter. Criteria: GeneDx Variant Classification (06012015). Collection method: clinical testing. Allele origin: germline. Affected: yes.
Comment: The R176H variant in the CEACAM16 gene has not been reported previously as a pathogenic variant, nor as a benign variant, to our knowledge. The R176H variant was not observed in approximately 6,000 individuals of European and African American ancestry in the NHLBI Exome Sequencing Project, indicating it is not a common benign variant in these populations. The R176H variant is a conservative amino acid substitution, which occurs in the Ig-like C2-type 1 domain at a position where amino acids with similar properties to Arginine are tolerated across species. In silico analysis is inconsistent in its predictions as to whether or not the variant is damaging to the protein structure/function. We interpret R176H as a variant of uncertain significance.